The following is an entry in ClinVar:

ClinVar aggregate classification (germline): Likely benign. Review status: criteria provided, multiple submitters, no conflicts (2 of 4 stars). 2 submissions from 2 submitters: Likely benign (2). Last evaluated 2025-12-29.

Conditions:
Juvenile polyposis/hereditary hemorrhagic telangiectasia syndrome (JPHT). Also called: JP/HHT SYNDROME; JUVENILE POLYPOSIS WITH HEREDITARY HEMORRHAGIC TELANGIECTASIA; POLYPOSIS, GENERALIZED JUVENILE, WITH PULMONARY ARTERIOVENOUS MALFORMATION; TELANGIECTASIA, HEREDITARY HEMORRHAGIC, WITH JUVENILE POLYPOSIS COLI; Juvenile Polyposis Syndrome / Hereditary Hemorrhagic Telangiectasia (JPS/HHT). Identifiers: Orphanet 2929, MedGen C1832942, MONDO:0008278, OMIM 175050.

gnomAD v4.1: 1 of 1,609,788 alleles (0.000062%); highest among the groups gnomAD compares: Non-Finnish European, 0.000085%; no homozygotes.

Submissions (2):

Center for Genomic Medicine, Rigshospitalet, Copenhagen University Hospital
Classification: Likely benign. Last evaluated: 2025-12-29. Review status: criteria provided, single submitter. Criteria: ACMG Guidelines, 2015. Collection method: clinical testing. Allele origin: germline.

Myriad Genetics, Inc.
Classification: Likely benign for Juvenile polyposis/hereditary hemorrhagic telangiectasia syndrome. Last evaluated: 2025-03-21. Review status: criteria provided, single submitter. Criteria: Myriad Autosomal Dominant, Autosomal Recessive and X-Linked Classification Criteria (2023). Collection method: clinical testing. Allele origin: unknown.
Comment: This variant is considered likely benign. This variant is intronic and is not expected to impact mRNA splicing.

NM_005359.6(SMAD4):c.1309-15G>T

Gene: SMAD4 (SMAD family member 4; plus strand). Cytogenetic location: 18q21.2.
Variant type: single nucleotide variant.
Coding change: c.1309-15G>T on transcript NM_005359.6 (MANE Select); 15 bases into the intron before coding-DNA position 1309, G replaced by T.
Molecular consequence: intron variant.
Genome position (GRCh38, 1-based): chr18:51,076,623, G>T. VCF-style: chr18-51076623-G-T. GRCh37 (hg19) VCF-style: chr18-48602993-G-T.
Other names: c.1309-15G>T (NM_001407042.1, NM_001407041.1).
Identifiers: ClinVar variation 3903456 (VCV003903456.2).